The following is an entry in ClinVar:

ClinVar aggregate classification (germline): Uncertain significance. Review status: criteria provided, single submitter (1 of 4 stars). 2 submissions from 2 submitters: Uncertain significance (1). 1 of the submissions does not count toward it. Last evaluated 2024-12-30.

Conditions:
Bloom syndrome (BLM). Also called: Bloom-Torre-Machacek syndrome. Identifiers: Orphanet 125, MedGen C0005859, MONDO:0008876, OMIM 210900.

Submissions (2):

Labcorp Genetics (formerly Invitae), Labcorp
Classification: Uncertain significance for Bloom syndrome. Last evaluated: 2024-12-30. Review status: criteria provided, single submitter. Criteria: Invitae Variant Classification Sherloc (09022015). Collection method: clinical testing. Allele origin: germline.
Comment: This sequence change replaces serine, which is neutral and polar, with threonine, which is neutral and polar, at codon 343 of the BLM protein (p.Ser343Thr). This variant is not present in population databases (gnomAD no frequency). This variant has not been reported in the literature in individuals affected with BLM-related conditions. ClinVar contains an entry for this variant (Variation ID: 1009950). Invitae Evidence Modeling of protein sequence and biophysical properties (such as structural, functional, and spatial information, amino acid conservation, physicochemical variation, residue mobility, and thermodynamic stability) indicates that this missense variant is not expected to disrupt BLM protein function with a negative predictive value of 80%. In summary, the available evidence is currently insufficient to determine the role of this variant in disease. Therefore, it has been classified as a Variant of Uncertain Significance.

Natera, Inc.
Classification: Uncertain significance for Bloom syndrome. Last evaluated: 2018-09-06. Review status: no assertion criteria provided. Collection method: clinical testing. Allele origin: germline. Not counted in ClinVar's aggregate classification.

NM_000057.4(BLM):c.1027T>A (p.Ser343Thr)

Gene: BLM (BLM RecQ like helicase; plus strand). Cytogenetic location: 15q26.1.
Variant type: single nucleotide variant.
Coding change: c.1027T>A on transcript NM_000057.4 (MANE Select); coding-DNA position 1027, T replaced by A.
Protein change: p.Ser343Thr; replaces serine 343 with threonine.
Molecular consequence: missense variant. On other transcripts: 5 prime UTR variant (1).
Genome position (GRCh38, 1-based): chr15:90,754,878, T>A. VCF-style: chr15-90754878-T-A. GRCh37 (hg19) VCF-style: chr15-91298108-T-A.
Other names: c.1027T>A, p.Ser343Thr (NM_001287246.2, NM_001287247.2); c.-265T>A (NM_001287248.2); short protein forms S343T.
Identifiers: ClinVar variation 1009950 (VCV001009950.12), dbSNP rs776620199, ClinGen allele CA393842129.